The following is an entry in ClinVar:

NM_000143.4(FH):c.1428C>T (p.His476=)

Gene: FH (fumarate hydratase; minus strand). Cytogenetic location: 1q43.
Variant type: single nucleotide variant.
Coding change: c.1428C>T on transcript NM_000143.4 (MANE Select); coding-DNA position 1428, C replaced by T.
Protein change: p.His476=; no amino-acid change (histidine 476 retained).
Molecular consequence: synonymous variant.
Genome position (GRCh38, 1-based): chr1:241,497,933, G>A on the plus strand (C>T on the coding strand, the complement: FH is on the minus strand). VCF-style: chr1-241497933-G-A. GRCh37 (hg19) VCF-style: chr1-241661233-G-A.
Identifiers: ClinVar variation 184590 (VCV000184590.22), dbSNP rs199887605, ClinGen allele CA189389.

ClinVar aggregate classification (germline): Benign/Likely benign. Review status: criteria provided, multiple submitters, no conflicts (2 of 4 stars). 8 submissions from 8 submitters: Benign (1); Likely benign (7). Last evaluated 2026-01-11.

Conditions:
Hereditary cancer-predisposing syndrome. Also called: Tumor predisposition; Neoplastic Syndromes, Hereditary; Hereditary neoplastic syndrome; Hereditary Cancer Syndrome. Identifiers: Orphanet 140162, MedGen C0027672, MeSH D009386, MONDO:0015356.
Hereditary leiomyomatosis and renal cell cancer. Also called: LEIOMYOMA, MULTIPLE CUTANEOUS; MULTIPLE CUTANEOUS AND UTERINE LEIOMYOMATA 1, WITH OR WITHOUT RENAL CELL CARCINOMA; Reed syndrome; Multiple cutaneous and uterine leiomyomatosis; Cutaneous leiomyomata with uterine leiomyomata; Leiomyoma, hereditary multiple, of skin. Identifiers: Orphanet 523, MedGen C1708350, MONDO:0007888, OMIM 150800, HP:0007437. Disease mechanism: loss of function.

Allele frequency attached by ClinVar (database versions not stated): gnomAD 0.00002 and 0.00003; gnomAD exomes 0.00002 and 0.00006; TOPMed 0.00003; ExAC 0.00004; 1000 Genomes Project 30x 0.00016; 1000 Genomes Project 0.00020.
gnomAD v4.1: 30 of 1,613,076 alleles (0.0019%); highest among the groups gnomAD compares: Admixed American, 0.032%; no homozygotes.

Submissions (8):

Labcorp Genetics (formerly Invitae), Labcorp
Classification: Likely benign. Last evaluated: 2026-01-11. Review status: criteria provided, single submitter. Criteria: Invitae Variant Classification Sherloc (09022015). Collection method: clinical testing. Allele origin: germline.

Quest Diagnostics Nichols Institute San Juan Capistrano
Classification: Likely benign. Last evaluated: 2025-03-11. Review status: criteria provided, single submitter. Criteria: Quest Diagnostics criteria. Collection method: clinical testing. Allele origin: unknown.

Myriad Genetics, Inc.
Classification: Benign for Hereditary leiomyomatosis and renal cell cancer. Last evaluated: 2024-10-22. Review status: criteria provided, single submitter. Criteria: Myriad Autosomal Dominant, Autosomal Recessive and X-Linked Classification Criteria (2023). Collection method: clinical testing. Allele origin: unknown.
Comment: This variant is considered benign. This variant is a silent/synonymous amino acid change and it is not expected to impact splicing.

Blueprint Genetics
Classification: Likely benign. Last evaluated: 2023-08-09. Review status: criteria provided, single submitter. Criteria: ACMG Guidelines, 2015. Collection method: clinical testing. Allele origin: germline.

KCCC/NGS Laboratory, Kuwait Cancer Control Center
Classification: Likely benign for Hereditary leiomyomatosis and renal cell cancer. Last evaluated: 2023-07-07. Review status: criteria provided, single submitter. Criteria: ACMG Guidelines, 2015. Collection method: clinical testing. Allele origin: germline. Affected: yes.

GeneDx
Classification: Likely benign. Last evaluated: 2020-01-10. Review status: criteria provided, single submitter. Criteria: GeneDx Variant Classification Process June 2021. Collection method: clinical testing. Allele origin: germline. Affected: yes.

Ambry Genetics
Classification: Likely benign for Hereditary cancer-predisposing syndrome. Last evaluated: 2014-12-19. Review status: criteria provided, single submitter. Criteria: Ambry Variant Classification Scheme 2023. Collection method: clinical testing. Allele origin: germline.

PreventionGenetics, part of Exact Sciences
Classification: Likely benign. Review status: criteria provided, single submitter. Criteria: ACMG Guidelines, 2015. Collection method: clinical testing. Allele origin: germline.